The following is an entry in ClinVar:

NM_144991.3(TSPEAR):c.1854_1855dup (p.Arg619fs)

Gene: TSPEAR (thrombospondin type laminin G domain and EAR repeats; minus strand). Cytogenetic location: 21q22.3.
Variant type: Duplication.
Coding change: c.1854_1855dup on transcript NM_144991.3 (MANE Select); coding-DNA positions 1854 to 1855, 2 bases duplicated (CA; older notation c.1854_1855dupCA).
Protein change: p.Arg619fs; shifts the reading frame from arginine 619.
Molecular consequence: frameshift variant.
Genome position (GRCh38, 1-based): chr21:44,504,781-44,504,782, TG duplicated on the plus strand (CA on the coding strand, the reverse complement: TSPEAR is on the minus strand); duplicating any 2 consecutive bases within chr21:44,504,781-44,504,783 gives the same sequence; the c. name uses the placement nearest the transcript's 3' end. VCF-style (leftmost placement, unchanged base first): chr21-44504780-C-CTG. GRCh37 (hg19) VCF-style: chr21-45924663-C-CTG.
Other names: c.1650_1651dup, p.Arg551fs (NM_001272037.2); c.1854_1855dup (NM_144991.2); short protein forms R551fs, R619fs.
Identifiers: ClinVar variation 3718401 (VCV003718401.3).

ClinVar aggregate classification (germline): Pathogenic/Likely pathogenic. Review status: criteria provided, multiple submitters, no conflicts (2 of 4 stars). 2 submissions from 2 submitters: Pathogenic (1); Likely pathogenic (1). Last evaluated 2025-12-20.

Submissions (2):

Labcorp Genetics (formerly Invitae), Labcorp
Classification: Pathogenic. Last evaluated: 2025-12-20. Review status: criteria provided, single submitter. Criteria: Invitae Variant Classification Sherloc (09022015). Collection method: clinical testing. Allele origin: germline.
Comment: This sequence change creates a premature translational stop signal (p.Arg619Thrfs*49) in the TSPEAR gene. While this is not anticipated to result in nonsense mediated decay, it is expected to disrupt the last 51 amino acid(s) of the TSPEAR protein. This variant is present in population databases (rs782786752, gnomAD 0.007%). This variant has not been reported in the literature in individuals affected with TSPEAR-related conditions. ClinVar contains an entry for this variant (Variation ID: 3718401). This variant disrupts a region of the TSPEAR protein in which other variant(s) (p.Phe626Ser) have been determined to be pathogenic (PMID: 30046887; internal data). This suggests that this is a clinically significant region of the protein, and that variants that disrupt it are likely to be disease-causing. For these reasons, this variant has been classified as Pathogenic.

GeneDx
Classification: Likely pathogenic. Last evaluated: 2025-01-14. Review status: criteria provided, single submitter. Criteria: GeneDx Variant Classification Process June 2021. Collection method: clinical testing. Allele origin: germline. Affected: yes.
Comment: Frameshift variant predicted to result in abnormal protein length as the last 51 amino acids are replaced with 48 different amino acids, and other similar variants have been reported in HGMD; Not observed at significant frequency in large population cohorts (gnomAD); Has not been previously published as pathogenic or benign to our knowledge

Literature cited by the submitters: PubMed 30046887 (cited by Labcorp Genetics (formerly Invitae), Labcorp).